The following is an entry in ClinVar:

ClinVar aggregate classification (germline): Uncertain significance (1 of 4 stars; one submission).

Submission:

Ambry Genetics
Classification: Uncertain significance. Last evaluated: 2025-08-29. Review status: criteria provided, single submitter. Criteria: Ambry Variant Classification Scheme 2023. Collection method: clinical testing. Allele origin: germline.
Comment: The p.P51L variant (also known as c.152C>T), located in coding exon 1 of the GEN1 gene, results from a C to T substitution at nucleotide position 152. The proline at codon 51 is replaced by leucine, an amino acid with similar properties. This amino acid position is conserved. In addition, this alteration is predicted to be deleterious by in silico analysis. Based on the available evidence, the clinical significance of this variant remains unclear.

NM_001130009.3(GEN1):c.152C>T (p.Pro51Leu)

Gene: GEN1 (GEN1 Holliday junction 5' flap endonuclease; plus strand). Cytogenetic location: 2p24.2.
Variant type: single nucleotide variant.
Coding change: c.152C>T on transcript NM_001130009.3 (MANE Select); coding-DNA position 152, C replaced by T.
Protein change: p.Pro51Leu; replaces proline 51 with leucine.
Molecular consequence: missense variant.
Genome position (GRCh38, 1-based): chr2:17,760,095, C>T. VCF-style: chr2-17760095-C-T. GRCh37 (hg19) VCF-style: chr2-17941362-C-T.
Other names: c.152C>T, p.Pro51Leu (NM_182625.5); short protein forms P51L.
Identifiers: ClinVar variation 4263105 (VCV004263105.1).